The following is an entry in ClinVar:

NM_206933.4(USH2A):c.6486-1G>A

Gene: USH2A (usherin; minus strand). Cytogenetic location: 1q41.
Variant type: single nucleotide variant.
Coding change: c.6486-1G>A on transcript NM_206933.4 (MANE Select); the canonical splice acceptor site of the intron before coding-DNA position 6486, G replaced by A.
Molecular consequence: splice acceptor variant.
Genome position (GRCh38, 1-based): chr1:215,999,059, C>T on the plus strand (G>A on the coding strand, the complement: USH2A is on the minus strand). VCF-style: chr1-215999059-C-T. GRCh37 (hg19) VCF-style: chr1-216172401-C-T.
Identifiers: ClinVar variation 1184583 (VCV001184583.8), dbSNP rs2102482051, ClinGen allele CA344861551.

ClinVar aggregate classification (germline): Likely pathogenic. Review status: criteria provided, single submitter (1 of 4 stars). 2 submissions from 2 submitters: Likely pathogenic (1). 1 of the submissions does not count toward it. Last evaluated 2021-08-11.

Conditions:
Retinitis pigmentosa 39 (RP39). Identifiers: Orphanet 791, MedGen C3151138, MONDO:0013436, OMIM 613809.

Submissions (2):

Labcorp Genetics (formerly Invitae), Labcorp
Classification: Likely pathogenic. Last evaluated: 2021-08-11. Review status: criteria provided, single submitter. Criteria: Invitae Variant Classification Sherloc (09022015). Collection method: clinical testing. Allele origin: germline.
Comment: This variant is not present in population databases (ExAC no frequency). This variant has not been reported in the literature in individuals affected with USH2A-related conditions. ClinVar contains an entry for this variant (Variation ID: 1184583). Algorithms developed to predict the effect of sequence changes on RNA splicing suggest that this variant may disrupt the consensus splice site. In summary, the currently available evidence indicates that the variant is pathogenic, but additional data are needed to prove that conclusively. Therefore, this variant has been classified as Likely Pathogenic. This sequence change affects an acceptor splice site in intron 33 of the USH2A gene. It is expected to disrupt RNA splicing. Variants that disrupt the donor or acceptor splice site typically lead to a loss of protein function (PMID: 16199547), and loss-of-function variants in USH2A are known to be pathogenic (PMID: 10729113, 10909849, 20507924, 25649381).

Genomics England Pilot Project, Genomics England
Classification: Pathogenic for Retinitis pigmentosa 39. Review status: no assertion criteria provided. Criteria: ACGS Guidelines, 2016. Collection method: clinical testing. Allele origin: germline. Affected: yes. Not counted in ClinVar's aggregate classification.

Literature cited by the submitters: PubMed 16199547 (cited by Labcorp Genetics (formerly Invitae), Labcorp); PubMed 10729113 (cited by Labcorp Genetics (formerly Invitae), Labcorp); PubMed 10909849 (cited by Labcorp Genetics (formerly Invitae), Labcorp); PubMed 20507924 (cited by Labcorp Genetics (formerly Invitae), Labcorp); PubMed 25649381 (cited by Labcorp Genetics (formerly Invitae), Labcorp).